The following is an entry in ClinVar:

NM_001430.5(EPAS1):c.650C>G (p.Pro217Arg)

Genes: EPAS1 (endothelial PAS domain protein 1; plus strand), LOC126806210 (BRD4-independent group 4 enhancer GRCh37_chr2:46587586-46588785; plus strand). Cytogenetic location: 2p21.
Variant type: single nucleotide variant.
Coding change: c.650C>G on transcript NM_001430.5 (MANE Select); coding-DNA position 650, C replaced by G.
Protein change: p.Pro217Arg; replaces proline 217 with arginine.
Molecular consequence: missense variant.
Genome position (GRCh38, 1-based): chr2:46,360,961, C>G. VCF-style: chr2-46360961-C-G. GRCh37 (hg19) VCF-style: chr2-46588100-C-G.
Other names: short protein forms P217R.
Identifiers: ClinVar variation 3221664 (VCV003221664.1), dbSNP rs2546455421, ClinGen allele CA346700024.

ClinVar aggregate classification (germline): Uncertain significance (1 of 4 stars; one submission).

Conditions:
Inborn genetic diseases. Identifiers: MedGen C0950123, MeSH D030342.

Submission:

Ambry Genetics
Classification: Uncertain significance for Inborn genetic diseases. Last evaluated: 2023-12-20. Review status: criteria provided, single submitter. Criteria: Ambry Variant Classification Scheme 2023. Collection method: clinical testing. Allele origin: germline.
Comment: The p.P217R variant (also known as c.650C>G), located in coding exon 6 of the EPAS1 gene, results from a C to G substitution at nucleotide position 650. The proline at codon 217 is replaced by arginine, an amino acid with dissimilar properties. This amino acid position is conserved. In addition, the in silico prediction for this alteration is inconclusive. Since supporting evidence is limited at this time, the clinical significance of this alteration remains unclear.